The following is an entry in ClinVar:

NM_001378609.3(OTOGL):c.3635-2A>G

Gene: OTOGL (otogelin like; plus strand). Cytogenetic location: 12q21.31.
Variant type: single nucleotide variant.
Coding change: c.3635-2A>G on transcript NM_001378609.3 (MANE Select); the canonical splice acceptor site of the intron before coding-DNA position 3635, A replaced by G.
Molecular consequence: splice acceptor variant.
Genome position (GRCh38, 1-based): chr12:80,318,544, A>G. VCF-style: chr12-80318544-A-G. GRCh37 (hg19) VCF-style: chr12-80712324-A-G.
Other names: c.3500-2A>G (NM_001368062.3); c.3635-2A>G (NM_001378610.3, NM_173591.7).
Identifiers: ClinVar variation 499792 (VCV000499792.7), dbSNP rs1555296476, ClinGen allele CA385866940.

ClinVar aggregate classification (germline): Likely pathogenic. Review status: criteria provided, multiple submitters, no conflicts (2 of 4 stars). 2 submissions from 2 submitters: Likely pathogenic (2). Last evaluated 2026-04-20.

Allele frequency attached by ClinVar (database versions not stated): TOPMed 0.00001.

Submissions (2):

GeneDx
Classification: Likely pathogenic. Last evaluated: 2026-04-20. Review status: criteria provided, single submitter. Criteria: GeneDx Variant Classification Process June 2021. Collection method: clinical testing. Allele origin: germline.
Comment: Canonical splice site variant predicted to result in an in-frame loss of the adjacent exon in a gene for which loss of function is a known mechanism of disease; Not observed at significant frequency in large population cohorts (gnomAD); Has not been previously published as pathogenic or benign to our knowledge

Eurofins Ntd Llc (ga)
Classification: Likely pathogenic. Last evaluated: 2017-03-01. Review status: criteria provided, single submitter. Criteria: EGL Classification Definitions 2015. Collection method: clinical testing. Allele origin: germline. Observed: 1 variant allele, 1 heterozygote.